The following is an entry in ClinVar:

ClinVar aggregate classification (germline): Uncertain significance. Review status: criteria provided, multiple submitters, no conflicts (2 of 4 stars). 4 submissions from 4 submitters: Uncertain significance (4). Last evaluated 2026-05-13.

Conditions:
Familial thoracic aortic aneurysm and aortic dissection (TAAD). Also called: Thoracic aortic aneurysms and dissections. Identifiers: Orphanet 91387, MedGen C4707243, MONDO:0019625.
Ehlers-Danlos syndrome, classic type, 1 (EDSCL1). Also called: EHLERS-DANLOS SYNDROME, GRAVIS TYPE; EHLERS-DANLOS SYNDROME, SEVERE CLASSIC TYPE; Ehlers-Danlos Syndrome, Classic Type, COL5A1-Related; EDS I; Ehlers-Danlos syndrome, type 1. Identifiers: MedGen C0268335, MONDO:0019567, OMIM 130000.

Allele frequency attached by ClinVar (database versions not stated): gnomAD exomes below 0.00001 and 0.00001; TOPMed below 0.00001; ExAC 0.00001; gnomAD 0.00001.
gnomAD v4.1: 9 of 1,613,354 alleles (0.00056%); highest among the groups gnomAD compares: Non-Finnish European, 0.00068%; no homozygotes.

Submissions (4):

Women's Health and Genetics/Laboratory Corporation of America, LabCorp
Classification: Uncertain significance. Last evaluated: 2026-05-13. Review status: criteria provided, single submitter. Criteria: LabCorp Variant Classification Summary - May 2015. Collection method: clinical testing. Allele origin: germline.
Comment: Variant summary: COL5A2 c.4090C>A (p.Leu1364Ile) results in a conservative amino acid change in the encoded protein sequence. Algorithms developed to predict the effect of missense changes on protein structure and function are either unavailable or do not agree on the potential impact of this missense change. The variant allele was found at a frequency of 4e-06 in 251096 control chromosomes. The available data on variant occurrences in the general population are insufficient to allow any conclusion about variant significance. To our knowledge, no occurrence of c.4090C>A in individuals affected with COL5A2-related conditions and no experimental evidence demonstrating its impact on protein function have been reported. ClinVar contains an entry for this variant (Variation ID: 420270). Based on the evidence outlined above, the variant was classified as uncertain significance.

Labcorp Genetics (formerly Invitae), Labcorp
Classification: Uncertain significance for Ehlers-Danlos syndrome, classic type, 1. Last evaluated: 2026-01-11. Review status: criteria provided, single submitter. Criteria: Invitae Variant Classification Sherloc (09022015). Collection method: clinical testing. Allele origin: germline.
Comment: This sequence change replaces leucine, which is neutral and non-polar, with isoleucine, which is neutral and non-polar, at codon 1364 of the COL5A2 protein (p.Leu1364Ile). The frequency data for this variant in the population databases is considered unreliable, as metrics indicate poor data quality at this position in the gnomAD database. This variant has not been reported in the literature in individuals affected with COL5A2-related conditions. ClinVar contains an entry for this variant (Variation ID: 420270). Invitae Evidence Modeling of protein sequence and biophysical properties (such as structural, functional, and spatial information, amino acid conservation, physicochemical variation, residue mobility, and thermodynamic stability) indicates that this missense variant is not expected to disrupt COL5A2 protein function with a negative predictive value of 80%. In summary, the available evidence is currently insufficient to determine the role of this variant in disease. Therefore, it has been classified as a Variant of Uncertain Significance.

Ambry Genetics
Classification: Uncertain significance for Familial thoracic aortic aneurysm and aortic dissection. Last evaluated: 2025-12-16. Review status: criteria provided, single submitter. Criteria: Ambry Variant Classification Scheme 2023. Collection method: clinical testing. Allele origin: germline.

GeneDx
Classification: Uncertain significance. Last evaluated: 2022-08-03. Review status: criteria provided, single submitter. Criteria: GeneDx Variant Classification Process June 2021. Collection method: clinical testing. Allele origin: germline. Affected: yes.
Comment: Not observed at significant frequency in large population cohorts (gnomAD); In silico analysis supports that this missense variant does not alter protein structure/function; Not located in the triple helical region, where the majority of pathogenic missense variants occur (Symoens et al., 2012; HGMD); Has not been previously published as pathogenic or benign to our knowledge; This variant is associated with the following publications: (PMID: 22696272)

NM_000393.5(COL5A2):c.4090C>A (p.Leu1364Ile)

Gene: COL5A2 (collagen type V alpha 2 chain; minus strand). Cytogenetic location: 2q32.2.
Variant type: single nucleotide variant.
Coding change: c.4090C>A on transcript NM_000393.5 (MANE Select); coding-DNA position 4090, C replaced by A.
Protein change: p.Leu1364Ile; replaces leucine 1364 with isoleucine.
Molecular consequence: missense variant.
Genome position (GRCh38, 1-based): chr2:189,036,639, G>T on the plus strand (C>A on the coding strand, the complement: COL5A2 is on the minus strand). VCF-style: chr2-189036639-G-T. GRCh37 (hg19) VCF-style: chr2-189901365-G-T.
Other names: short protein forms L1364I.
Identifiers: ClinVar variation 420270 (VCV000420270.8), dbSNP rs777866283, ClinGen allele CA2021863.